The following is an entry in ClinVar:

ClinVar aggregate classification (germline): Uncertain significance (1 of 4 stars; one submission).

gnomAD v4.1: 18 of 1,613,356 alleles (0.0011%); highest among the groups gnomAD compares: Non-Finnish European, 0.0014%; no homozygotes.

Submission:

CeGaT Center for Human Genetics Tuebingen
Classification: Uncertain significance. Last evaluated: 2022-10-01. Review status: criteria provided, single submitter. Criteria: CeGaT Center For Human Genetics Tuebingen Variant Classification Criteria Version 2. Collection method: clinical testing. Allele origin: germline. Affected: yes. Observed: 1 variant allele.
Comment: CUX1: PP2, BP4

NM_001913.5(CUX1):c.1391C>T (p.Ala464Val)

Gene: CUX1 (cut like homeobox 1; plus strand). Cytogenetic location: 7q22.1.
Variant type: single nucleotide variant.
Coding change: c.1391C>T on transcript NM_001913.5 (MANE Plus Clinical); coding-DNA position 1391, C replaced by T.
Protein change: p.Ala464Val; replaces alanine 464 with valine.
Molecular consequence: missense variant.
Genome position (GRCh38, 1-based): chr7:102,274,251, C>T. VCF-style: chr7-102274251-C-T. GRCh37 (hg19) VCF-style: chr7-101917522-C-T.
Other names: c.1343C>T, p.Ala448Val (NM_001202544.3); c.1253C>T, p.Ala418Val (NM_001202545.3); c.1274C>T, p.Ala425Val (NM_001202546.3); c.1385C>T, p.Ala462Val (NM_181500.4); short protein forms A418V, A425V, A448V, A462V, A464V.
Identifiers: ClinVar variation 2657881 (VCV002657881.22), dbSNP rs368235304, ClinGen allele CA4411643.
Genomic context (GRCh38, chr7:102,274,251, plus strand): 5'-ATTCCGTGCCCATTGTGCGGAGGCACCTCCTCATCGCTTCCTGTCACCTGCAGGGTGCCG[C>T]TGAGCACCGCCTGGAGAAGATCCCAGAGCCCATCAAAGAGGCCACTGCCCTATTCTACGG-3'
Protein context (NP_001904.2, residues 454-474): SIQRPDAEGA[Ala464Val]EHRLEKIPEP